The following is an entry in ClinVar:

ClinVar aggregate classification (germline): Benign. Review status: criteria provided, multiple submitters, no conflicts (2 of 4 stars). 2 submissions from 2 submitters: Benign (2). Last evaluated 2018-06-16.

Allele frequency attached by ClinVar (database versions not stated): gnomAD exomes 0.11151; 1000 Genomes Project 0.11542; 1000 Genomes Project 30x 0.11993; TOPMed 0.14189; gnomAD 0.14698 and 0.15094.
gnomAD v4.1: 83,625 of 702,728 alleles (12%); highest among the groups gnomAD compares: African/African-American, 23%; 5,900 homozygotes.

Submissions (2):

GeneDx
Classification: Benign. Last evaluated: 2018-06-16. Review status: criteria provided, single submitter. Criteria: GeneDx Variant Classification (06012015). Collection method: clinical testing. Allele origin: germline. Affected: yes.
Comment: This variant is considered likely benign or benign based on one or more of the following criteria: it is a conservative change, it occurs at a poorly conserved position in the protein, it is predicted to be benign by multiple in silico algorithms, and/or has population frequency not consistent with disease.

Breakthrough Genomics
Classification: Benign. Review status: criteria provided, single submitter. Criteria: ACMG Guidelines, 2015. Collection method: not provided. Allele origin: germline. Inheritance: Autosomal dominant inheritance. Affected: yes.

NM_001386795.1(DTNA):c.1743+140A>G

Gene: DTNA (dystrobrevin alpha; plus strand). Cytogenetic location: 18q12.1.
Variant type: single nucleotide variant.
Coding change: c.1743+140A>G on transcript NM_001386795.1 (MANE Select); 140 bases into the intron after coding-DNA position 1743, A replaced by G.
Molecular consequence: intron variant.
Genome position (GRCh38, 1-based): chr18:34,864,202, A>G. VCF-style: chr18-34864202-A-G. GRCh37 (hg19) VCF-style: chr18-32444166-A-G.
Other names: c.1491+140A>G (NM_032975.4, NM_001386761.1, NM_032979.5); c.1488+140A>G (NM_001386762.1); c.1572+140A>G (NM_001386754.1, NM_001386755.1, NM_001386757.1 and 4 more transcripts); c.1569+140A>G (NM_001386760.1); c.1482+140A>G (NM_001386763.1, NM_001386764.1, NM_001386771.1 and 9 more transcripts); c.1479+140A>G (NM_001386768.1, NM_001386773.1, NM_001386769.1 and 1 more transcripts); c.912+140A>G (NM_001198945.2); c.1743+140A>G (NM_001386788.1); and 7 more.
Identifiers: ClinVar variation 672657 (VCV000672657.2), dbSNP rs16966095, ClinGen allele CA297793784.